The following is an entry in ClinVar:

ClinVar aggregate classification (germline): Uncertain significance. Review status: criteria provided, multiple submitters, no conflicts (2 of 4 stars). 2 submissions from 2 submitters: Uncertain significance (2). Last evaluated 2024-06-03.

Conditions:
Hypokalemic periodic paralysis, type 2 (HOKPP2). Identifiers: Orphanet 681, MedGen C2750061, MONDO:0013234, OMIM 613345.
Congenital myopathy 22A, classic (CMYO22A). Identifiers: MedGen C5830453, MONDO:0957247, OMIM 620351.
Paramyotonia congenita of Von Eulenburg. Also called: PARALYSIS PERIODICA PARAMYOTONICA; Paramyotonia Congenita; Eulenburg disease; Myotonia congenita intermittens; Von Eulenburg paramyotonia congenita. Identifiers: Orphanet 684, MedGen C0221055, MONDO:0008195, OMIM 168300. Disease mechanism: loss of function.
Hyperkalemic periodic paralysis. Also called: Gamstorp disease; Familial hyperkalemic periodic paralysis. Identifiers: Orphanet 682, MedGen C0238357, MONDO:0008224, OMIM 170500, HP:0007215.
Potassium-aggravated myotonia. Also called: Myotonia congenita, atypical, acetazolamide-responsive; MYOTONIA CONGENITA, ACETAZOLAMIDE-RESPONSIVE; MYOTONIA CONGENITA, ATYPICAL; SODIUM CHANNEL MUSCLE DISEASE. Identifiers: Orphanet 612, Orphanet 99734, Orphanet 99735, Orphanet 99736, MedGen C2931826, MONDO:0018959, OMIM 608390.
Congenital myopathy 22B, severe fetal (CMYO22B). Identifiers: MedGen C5830501, MONDO:0957265, OMIM 620369.
Congenital myasthenic syndrome 16. Identifiers: Orphanet 590, MedGen C3280112, MONDO:0013620, OMIM 614198.

Allele frequency attached by ClinVar (database versions not stated): TOPMed below 0.00001; gnomAD 0.00001; gnomAD exomes below 0.00001.
gnomAD v4.1: 5 of 1,566,604 alleles (0.00032%); highest among the groups gnomAD compares: African/African-American, 0.004%; no homozygotes.

Submissions (2):

Fulgent Genetics
Classification: Uncertain significance for Paramyotonia congenita of Von Eulenburg; Hyperkalemic periodic paralysis; Potassium-aggravated myotonia; Hypokalemic periodic paralysis, type 2; Congenital myasthenic syndrome 16; Congenital myopathy 22A, classic; Congenital myopathy 22B, severe fetal. Last evaluated: 2024-06-03. Review status: criteria provided, single submitter. Criteria: ACMG Guidelines, 2015. Collection method: clinical testing. Allele origin: germline.

Labcorp Genetics (formerly Invitae), Labcorp
Classification: Uncertain significance for Hyperkalemic periodic paralysis. Last evaluated: 2022-08-23. Review status: criteria provided, single submitter. Criteria: Invitae Variant Classification Sherloc (09022015). Collection method: clinical testing. Allele origin: germline.
Comment: This variant has not been reported in the literature in individuals affected with SCN4A-related conditions. In summary, the available evidence is currently insufficient to determine the role of this variant in disease. Therefore, it has been classified as a Variant of Uncertain Significance. Algorithms developed to predict the effect of missense changes on protein structure and function (SIFT, PolyPhen-2, Align-GVGD) all suggest that this variant is likely to be disruptive. This variant is not present in population databases (gnomAD no frequency). This sequence change replaces valine, which is neutral and non-polar, with alanine, which is neutral and non-polar, at codon 792 of the SCN4A protein (p.Val792Ala).

NM_000334.4(SCN4A):c.2375T>C (p.Val792Ala)

Genes: GH-LCR (growth hormone locus control region; plus strand), SCN4A (sodium voltage-gated channel alpha subunit 4; minus strand). Cytogenetic location: 17q23.3.
Variant type: single nucleotide variant.
Coding change: c.2375T>C on transcript NM_000334.4 (MANE Select); coding-DNA position 2375, T replaced by C.
Protein change: p.Val792Ala; replaces valine 792 with alanine.
Molecular consequence: missense variant.
Genome position (GRCh38, 1-based): chr17:63,957,163, A>G on the plus strand (T>C on the coding strand, the complement: SCN4A is on the minus strand). VCF-style: chr17-63957163-A-G. GRCh37 (hg19) VCF-style: chr17-62034523-A-G.
Other names: short protein forms V792A.
Identifiers: ClinVar variation 1951892 (VCV001951892.6), dbSNP rs1357236962, ClinGen allele CA400628750.